The following is an entry in ClinVar:

ClinVar aggregate classification (germline): Conflicting classifications of pathogenicity. Review status: criteria provided, conflicting classifications (1 of 4 stars). 2 submissions from 2 submitters: Likely pathogenic (1); Uncertain significance (1). Last evaluated 2024-03-01.

Conditions:
POMT1-related congenital myopathy.

Allele frequency attached by ClinVar (database versions not stated): ESP Exome Variant Server 0.00008; gnomAD exomes below 0.00001; ExAC 0.00001.

Submissions (2):

Muscle and Diseases Team, Institut de Génétique et Biologie Moléculaire et Cellulaire
Classification: Likely pathogenic for POMT1-related congenital myopathy. Last evaluated: 2024-03-01. Review status: criteria provided, single submitter. Criteria: ACMG Guidelines, 2015. Collection method: research. Allele origin: unknown. Affected: yes. Observed: 1 variant allele.
Comment: PS3+PM2+PP3

Eurofins Ntd Llc (ga)
Classification: Uncertain significance. Last evaluated: 2013-03-12. Review status: criteria provided, single submitter. Criteria: EGL Classification Definitions 2015. Collection method: clinical testing. Allele origin: germline. Observed: 1 variant allele, 1 heterozygote.

Literature cited by the submitters: DOI 10.1186/s13073-024-01353-0 (cited by Muscle and Diseases Team, Institut de Génétique et Biologie Moléculaire et Cellulaire).

NM_001077365.2(POMT1):c.977A>G (p.Tyr326Cys)

Gene: POMT1 (protein O-mannosyltransferase 1; plus strand). Cytogenetic location: 9q34.13.
Variant type: single nucleotide variant.
Coding change: c.977A>G on transcript NM_001077365.2 (MANE Select); coding-DNA position 977, A replaced by G.
Protein change: p.Tyr326Cys; replaces tyrosine 326 with cysteine.
Molecular consequence: missense variant. On other transcripts: synonymous variant (1), non-coding transcript variant (10).
Genome position (GRCh38, 1-based): chr9:131,511,458, A>G. VCF-style: chr9-131511458-A-G. GRCh37 (hg19) VCF-style: chr9-134386845-A-G.
Other names: c.815A>G, p.Tyr272Cys (NM_001077366.2, NM_001353194.2, NM_001374693.1); c.977A>G, p.Tyr326Cys (NM_001136113.2, NM_001374690.1); c.626A>G, p.Tyr209Cys (NM_001136114.2, NM_001353195.2, NM_001374691.1 and 1 more transcripts); c.1043A>G, p.Tyr348Cys (NM_001353193.2, NM_007171.4); c.887A>G, p.Tyr296Cys (NM_001353196.2); c.881A>G, p.Tyr294Cys (NM_001353197.2, NM_001353198.2); c.692A>G, p.Tyr231Cys (NM_001353199.2); c.521A>G, p.Tyr174Cys (NM_001353200.2); and 2 more; short protein forms Y348C, Y174C, Y209C, Y296C, Y231C, Y326C, Y272C, Y294C.
Identifiers: ClinVar variation 95450 (VCV000095450.7), dbSNP rs377372480, ClinGen allele CA222987.